The following is an entry in ClinVar:

ClinVar aggregate classification (germline): Likely pathogenic (1 of 4 stars; one submission).

Submission:

Labcorp Genetics (formerly Invitae), Labcorp
Classification: Likely pathogenic. Last evaluated: 2023-02-23. Review status: criteria provided, single submitter. Criteria: Invitae Variant Classification Sherloc (09022015). Collection method: clinical testing. Allele origin: unknown.
Comment: This variant results in a copy number gain of the genomic region encompassing exon(s) 12 of the SLC34A3 gene. While the exact position of this variant cannot be determined from the data, sub-genic copy number gains are generally in tandem (PMID: 25640679). This variant is predicted to be out-of-frame, and may result in an absent or disrupted protein product. Loss-of-function variants in SLC34A3 are known to be pathogenic (PMID: 16358214, 16358215, 22159077). This variant has not been reported in the literature in individuals affected with SLC34A3-related conditions. In summary, the currently available evidence indicates that the variant is pathogenic, but additional data are needed to prove that conclusively. Therefore, this variant has been classified as Likely Pathogenic.

Literature cited by the submitters: PubMed 25640679; PubMed 16358214; PubMed 16358215; PubMed 22159077.

NC_000009.11:g.(?_140129039)_(140129203_?)dup

Gene: SLC34A3 (solute carrier family 34 member 3; plus strand). Cytogenetic location: 9q34.3.
Variant type: Duplication.
Identifiers: ClinVar variation 3245385 (VCV003245385.1).